The following is an entry in ClinVar:

ClinVar aggregate classification (germline): Pathogenic (1 of 4 stars; one submission).

Allele frequency attached by ClinVar (database versions not stated): gnomAD exomes below 0.00001; gnomAD 0.00001.
gnomAD v4.1: 2 of 1,613,688 alleles (0.00012%); highest among the groups gnomAD compares: Admixed American, 0.0017%; no homozygotes.

Submission:

Labcorp Genetics (formerly Invitae), Labcorp
Classification: Pathogenic. Last evaluated: 2023-12-16. Review status: criteria provided, single submitter. Criteria: Invitae Variant Classification Sherloc (09022015). Collection method: clinical testing. Allele origin: germline.
Comment: This sequence change creates a premature translational stop signal (p.Ser405*) in the PNLIP gene. It is expected to result in an absent or disrupted protein product. Loss-of-function variants in PNLIP are known to be pathogenic (PMID: 31977950, 35284057). This variant is not present in population databases (gnomAD no frequency). This variant has not been reported in the literature in individuals affected with PNLIP-related conditions. Algorithms developed to predict the effect of sequence changes on RNA splicing suggest that this variant may disrupt the consensus splice site. For these reasons, this variant has been classified as Pathogenic.

Literature cited by the submitters: PubMed 31977950; PubMed 35284057.

NM_000936.4(PNLIP):c.1214C>A (p.Ser405Ter)

Gene: PNLIP (pancreatic lipase; plus strand). Cytogenetic location: 10q25.3.
Variant type: single nucleotide variant.
Coding change: c.1214C>A on transcript NM_000936.4 (MANE Select); coding-DNA position 1214, C replaced by A.
Protein change: p.Ser405Ter; replaces serine 405 with a stop codon.
Molecular consequence: nonsense.
Genome position (GRCh38, 1-based): chr10:116,561,516, C>A. VCF-style: chr10-116561516-C-A. GRCh37 (hg19) VCF-style: chr10-118321028-C-A.
Other names: short protein forms S405*.
Identifiers: ClinVar variation 2703611 (VCV002703611.3), dbSNP rs1847315177, ClinGen allele CA378498204.
Genomic context (GRCh38, chr10:116,561,516, plus strand): 5'-CTTCTTAAATCCTTAGGGGCACTCTCAAACCAGATAGTACTCATTCCAATGAATTTGACT[C>A]AGATGTGGATGTTGGGGACTTGCAGATGGTTAAATTTATTTGGTATAACAATGTGATCAA-3'